The following is an entry in ClinVar:

ClinVar aggregate classification (germline): Uncertain significance (1 of 4 stars; one submission).

Conditions:
Achondrogenesis, type IA (ACG1A). Identifiers: Orphanet 932, Orphanet 93299, MedGen C0265273, MONDO:0008701, OMIM 200600.

Allele frequency attached by ClinVar (database versions not stated): gnomAD exomes below 0.00001.
gnomAD v4.1: 1 of 1,614,130 alleles (0.000062%); highest among the groups gnomAD compares: Non-Finnish European, 0.000085%; no homozygotes.

Submission:

Labcorp Genetics (formerly Invitae), Labcorp
Classification: Uncertain significance for Achondrogenesis, type IA. Last evaluated: 2022-05-25. Review status: criteria provided, single submitter. Criteria: Invitae Variant Classification Sherloc (09022015). Collection method: clinical testing. Allele origin: germline.
Comment: In summary, the available evidence is currently insufficient to determine the role of this variant in disease. Therefore, it has been classified as a Variant of Uncertain Significance. Algorithms developed to predict the effect of missense changes on protein structure and function are either unavailable or do not agree on the potential impact of this missense change (SIFT: "Not Available"; PolyPhen-2: "Probably Damaging"; Align-GVGD: "Not Available"). This variant has not been reported in the literature in individuals affected with TRIP11-related conditions. This variant is not present in population databases (gnomAD no frequency). This sequence change replaces glutamic acid, which is acidic and polar, with valine, which is neutral and non-polar, at codon 1210 of the TRIP11 protein (p.Glu1210Val).

NM_004239.4(TRIP11):c.3629A>T (p.Glu1210Val)

Gene: TRIP11 (thyroid hormone receptor interactor 11; minus strand). Cytogenetic location: 14q32.12.
Variant type: single nucleotide variant.
Coding change: c.3629A>T on transcript NM_004239.4 (MANE Select); coding-DNA position 3629, A replaced by T.
Protein change: p.Glu1210Val; replaces glutamic acid 1210 with valine.
Molecular consequence: missense variant.
Genome position (GRCh38, 1-based): chr14:92,004,347, T>A on the plus strand (A>T on the coding strand, the complement: TRIP11 is on the minus strand). VCF-style: chr14-92004347-T-A. GRCh37 (hg19) VCF-style: chr14-92470691-T-A.
Other names: c.3626A>T, p.Glu1209Val (NM_001321851.1); short protein forms E1210V, E1209V.
Identifiers: ClinVar variation 1998866 (VCV001998866.4), dbSNP rs2543027646, ClinGen allele CA390651953.
Genomic context (GRCh38, chr14:92,004,347, plus strand): 5'-GTCATCACCTGCTGCTTCCACTCTTCCATTTTCTTTACTTGCTGTTTTAACTTGTCACGT[T>A]CCTGTAGAAGCTCCTCAAATTGATTACTATTAACACCTCCAGCCTCATTACCAGTGCTGG-3'
Protein context (NP_004230.2, residues 1200-1220): NSNQFEELLQ[Glu1210Val]RDKLKQQVKK